The following is an entry in ClinVar:

ClinVar aggregate classification (germline): Uncertain significance (1 of 4 stars; one submission).

Conditions:
Cohen syndrome (COH1). Also called: PEPPER SYNDROME; Cutis verticis gyrata, retinitis pigmentosa, and sensorineural deafness. Identifiers: Orphanet 193, MedGen C0265223, MONDO:0008999, OMIM 216550.

Allele frequency attached by ClinVar (database versions not stated): gnomAD exomes below 0.00001.
gnomAD v4.1: 2 of 1,614,166 alleles (0.00012%); highest among the groups gnomAD compares: Non-Finnish European, 0.00017%; no homozygotes.

Submission:

Labcorp Genetics (formerly Invitae), Labcorp
Classification: Uncertain significance for Cohen syndrome. Last evaluated: 2024-10-21. Review status: criteria provided, single submitter. Criteria: Invitae Variant Classification Sherloc (09022015). Collection method: clinical testing. Allele origin: germline.
Comment: This sequence change replaces serine, which is neutral and polar, with phenylalanine, which is neutral and non-polar, at codon 1917 of the VPS13B protein (p.Ser1917Phe). This variant is not present in population databases (gnomAD no frequency). This variant has not been reported in the literature in individuals affected with VPS13B-related conditions. ClinVar contains an entry for this variant (Variation ID: 648096). Invitae Evidence Modeling of protein sequence and biophysical properties (such as structural, functional, and spatial information, amino acid conservation, physicochemical variation, residue mobility, and thermodynamic stability) indicates that this missense variant is expected to disrupt VPS13B protein function with a positive predictive value of 80%. In summary, the available evidence is currently insufficient to determine the role of this variant in disease. Therefore, it has been classified as a Variant of Uncertain Significance.

NM_152564.5(VPS13B):c.5675C>T (p.Ser1892Phe)

Gene: VPS13B (vacuolar protein sorting 13 homolog B; plus strand). Cytogenetic location: 8q22.2.
Variant type: single nucleotide variant.
Coding change: c.5675C>T on transcript NM_152564.5 (MANE Select); coding-DNA position 5675, C replaced by T.
Protein change: p.Ser1892Phe; replaces serine 1892 with phenylalanine.
Molecular consequence: missense variant.
Genome position (GRCh38, 1-based): chr8:99,642,265, C>T. VCF-style: chr8-99642265-C-T. GRCh37 (hg19) VCF-style: chr8-100654493-C-T.
Other names: c.5750C>T, p.Ser1917Phe (NM_017890.5); short protein forms S1917F, S1892F.
Identifiers: ClinVar variation 648096 (VCV000648096.6), dbSNP rs1588579775, ClinGen allele CA371873074.